The following is an entry in ClinVar:

ClinVar aggregate classification (germline): Pathogenic (1 of 4 stars; one submission).

Conditions:
Intellectual developmental disorder, autosomal recessive 7. Also called: Intellectual disability, autosomal recessive 7. Identifiers: Orphanet 88616, MedGen C1970197, MONDO:0012615, OMIM 611093.

Submission:

Geisinger Autism and Developmental Medicine Institute, Geisinger Health System
Classification: Pathogenic for Intellectual developmental disorder, autosomal recessive 7. Last evaluated: 2018-03-30. Review status: criteria provided, single submitter. Criteria: ACMG CNV Guidelines, 2011. Collection method: provider interpretation. Allele origin: maternal. Affected: yes.
Comment: Microarray showed 5-6% homozygosity. This deletion includes at least exons 2-6 of TUSC3, which is associated with an autosomal recessive form of intellectual disability. This deletion explains the neurodevelopmental phenotype of this patient.

Literature cited by the submitters: PubMed 27148795; PubMed 18455129; PubMed 18452889.

Single allele

Gene: TUSC3 (tumor suppressor candidate 3; plus strand). Cytogenetic location: 8p22.
Variant type: Deletion.
Identifiers: ClinVar variation 560138 (VCV000560138.3).